The following is an entry in ClinVar:

ClinVar aggregate classification (germline): Uncertain significance (1 of 4 stars; one submission).

Conditions:
Inborn genetic diseases. Identifiers: MedGen C0950123, MeSH D030342.

Submission:

Ambry Genetics
Classification: Uncertain significance for Inborn genetic diseases. Last evaluated: 2020-03-26. Review status: criteria provided, single submitter. Criteria: Ambry Variant Classification Scheme 2023. Collection method: clinical testing. Allele origin: germline.
Comment: The p.T404P variant (also known as c.1210A>C), located in coding exon 9 of the GABRA1 gene, results from an A to C substitution at nucleotide position 1210. The threonine at codon 404 is replaced by proline, an amino acid with highly similar properties. This amino acid position is well conserved in available vertebrate species. In addition, this alteration is predicted to be tolerated by in silico analysis. Since supporting evidence is limited at this time, the clinical significance of this alteration remains unclear.

NM_001127644.2(GABRA1):c.1210A>C (p.Thr404Pro)

Gene: GABRA1 (gamma-aminobutyric acid type A receptor subunit alpha1; plus strand). Cytogenetic location: 5q34.
Variant type: single nucleotide variant.
Coding change: c.1210A>C on transcript NM_001127644.2 (MANE Select); coding-DNA position 1210, A replaced by C.
Protein change: p.Thr404Pro; replaces threonine 404 with proline.
Molecular consequence: missense variant.
Genome position (GRCh38, 1-based): chr5:161,897,261, A>C. VCF-style: chr5-161897261-A-C. GRCh37 (hg19) VCF-style: chr5-161324267-A-C.
Other names: c.1210A>C, p.Thr404Pro (NM_000806.5, NM_001127643.2, NM_001127645.2 and 1 more transcripts); short protein forms T404P.
Identifiers: ClinVar variation 1750251 (VCV001750251.2), dbSNP rs1755411168, ClinGen allele CA362180890.